The following is an entry in ClinVar:

NM_024694.4(ADGB):c.3592G>T (p.Glu1198Ter)

Gene: ADGB (androglobin; plus strand). Cytogenetic location: 6q24.3.
Variant type: single nucleotide variant.
Coding change: c.3592G>T on transcript NM_024694.4 (MANE Select); coding-DNA position 3592, G replaced by T.
Protein change: p.Glu1198Ter; replaces glutamic acid 1198 with a stop codon.
Molecular consequence: nonsense.
Genome position (GRCh38, 1-based): chr6:146,763,942, G>T. VCF-style: chr6-146763942-G-T. GRCh37 (hg19) VCF-style: chr6-147085078-G-T.
Other names: short protein forms E1198*.
Identifiers: ClinVar variation 2656978 (VCV002656978.24), dbSNP rs2482784592, ClinGen allele CA365957832.

ClinVar aggregate classification (germline): Uncertain significance (1 of 4 stars; one submission).

Submission:

CeGaT Center for Human Genetics Tuebingen
Classification: Uncertain significance. Last evaluated: 2023-02-01. Review status: criteria provided, single submitter. Criteria: CeGaT Center For Human Genetics Tuebingen Variant Classification Criteria Version 2. Collection method: clinical testing. Allele origin: germline. Affected: yes. Observed: 1 variant allele.
Comment: ADGB: PM2